The following is an entry in ClinVar:

ClinVar aggregate classification (germline): Uncertain significance (1 of 4 stars; one submission).

Conditions:
Autosomal recessive spastic paraplegia type 78. Identifiers: Orphanet 513436, MedGen C5567893, MONDO:0014975, OMIM 617225.
Kufor-Rakeb syndrome (KRS). Also called: PARKINSON DISEASE 9, AUTOSOMAL RECESSIVE, JUVENILE-ONSET. Identifiers: Orphanet 306674, Orphanet 314632, MedGen C1847640, MONDO:0011706, OMIM 606693.

Allele frequency attached by ClinVar (database versions not stated): TOPMed below 0.00001; ExAC 0.00002.

Submission:

Labcorp Genetics (formerly Invitae), Labcorp
Classification: Uncertain significance for Kufor-Rakeb syndrome; Autosomal recessive spastic paraplegia type 78. Last evaluated: 2022-07-18. Review status: criteria provided, single submitter. Criteria: Invitae Variant Classification Sherloc (09022015). Collection method: clinical testing. Allele origin: germline.
Comment: In summary, the available evidence is currently insufficient to determine the role of this variant in disease. Therefore, it has been classified as a Variant of Uncertain Significance. Algorithms developed to predict the effect of missense changes on protein structure and function are either unavailable or do not agree on the potential impact of this missense change (SIFT: "Tolerated"; PolyPhen-2: "Probably Damaging"; Align-GVGD: "Class C0"). This variant has not been reported in the literature in individuals affected with ATP13A2-related conditions. This sequence change replaces glutamic acid, which is acidic and polar, with aspartic acid, which is acidic and polar, at codon 922 of the ATP13A2 protein (p.Glu922Asp). This variant is present in population databases (rs775423066, gnomAD 0.006%).

NM_022089.4(ATP13A2):c.2766G>T (p.Glu922Asp)

Gene: ATP13A2 (ATPase cation transporting 13A2; minus strand). Cytogenetic location: 1p36.13.
Variant type: single nucleotide variant.
Coding change: c.2766G>T on transcript NM_022089.4 (MANE Select); coding-DNA position 2766, G replaced by T.
Protein change: p.Glu922Asp; replaces glutamic acid 922 with aspartic acid.
Molecular consequence: missense variant.
Genome position (GRCh38, 1-based): chr1:16,988,231, C>A on the plus strand (G>T on the coding strand, the complement: ATP13A2 is on the minus strand). VCF-style: chr1-16988231-C-A. GRCh37 (hg19) VCF-style: chr1-17314726-C-A.
Other names: c.2751G>T, p.Glu917Asp (NM_001141973.3); c.2634G>T, p.Glu878Asp (NM_001141974.3); short protein forms E878D, E922D, E917D.
Identifiers: ClinVar variation 2160057 (VCV002160057.4), dbSNP rs775423066, ClinGen allele CA636708.